The following is an entry in ClinVar:

ClinVar aggregate classification (germline): Likely benign (1 of 4 stars; one submission).

Conditions:
Jalili syndrome. Also called: CONE-ROD DYSTROPHY AND AMELOGENESIS IMPERFECTA. Identifiers: Orphanet 1873, MedGen C3495589, MONDO:0009007, OMIM 217080.

Allele frequency attached by ClinVar (database versions not stated): gnomAD 0.00174 and 0.00177; 1000 Genomes Project 0.00100; 1000 Genomes Project 30x 0.00109; TOPMed 0.00186.
gnomAD v4.1: 3,434 of 1,120,124 alleles (0.31%); highest among the groups gnomAD compares: Non-Finnish European, 0.39%; 14 homozygotes.

Submission:

Illumina Laboratory Services, Illumina
Classification: Likely benign for Jalili syndrome. Last evaluated: 2018-01-13. Review status: criteria provided, single submitter. Criteria: ICSL Variant Classification Criteria 13 December 2019. Collection method: clinical testing. Allele origin: germline.
Comment: This variant was observed in the ICSL laboratory as part of a predisposition screen in an ostensibly healthy population. It had not been previously curated by ICSL or reported in the Human Gene Mutation Database (HGMD: prior to June 1st, 2018), and was therefore a candidate for classification through an automated scoring system. Utilizing variant allele frequency, disease prevalence and penetrance estimates, and inheritance mode, an automated score was calculated to assess if this variant is too frequent to cause the disease. Based on the score and internal cut-off values, a variant classified as likely benign is not then subjected to further curation. The score for this variant resulted in a classification of likely benign for this disease.

NM_020184.4(CNNM4):c.*95T>C

Gene: CNNM4 (cyclin and CBS domain divalent metal cation transport mediator 4; plus strand). Cytogenetic location: 2q11.2.
Variant type: single nucleotide variant.
Coding change: c.*95T>C on transcript NM_020184.4 (MANE Select); 95 bases downstream of the stop codon, T replaced by C.
Molecular consequence: 3 prime UTR variant.
Genome position (GRCh38, 1-based): chr2:96,809,612, T>C. VCF-style: chr2-96809612-T-C. GRCh37 (hg19) VCF-style: chr2-97475349-T-C.
Identifiers: ClinVar variation 337596 (VCV000337596.5), dbSNP rs138947618, ClinGen allele CA10614247.